The following is an entry in ClinVar:

NM_013275.6(ANKRD11):c.4012_4013del (p.Ala1338fs)

Gene: ANKRD11 (ankyrin repeat domain 11; minus strand). Cytogenetic location: 16q24.3.
Variant type: Microsatellite.
Coding change: c.4012_4013del on transcript NM_013275.6 (MANE Select); coding-DNA positions 4012 to 4013, 2 bases deleted (GC; older notation c.4012_4013delGC).
Protein change: p.Ala1338fs; shifts the reading frame from alanine 1338.
Molecular consequence: frameshift variant.
Genome position (GRCh38, 1-based): chr16:89,282,529-89,282,530, GC deleted on the plus strand (GC on the coding strand, the reverse complement: ANKRD11 is on the minus strand); deleting any 2 consecutive bases within chr16:89,282,529-89,282,532 gives the same sequence; the c. name uses the placement nearest the transcript's 3' end. VCF-style (leftmost placement, unchanged base first): chr16-89282528-GGC-G. GRCh37 (hg19) VCF-style: chr16-89348936-GGC-G.
Other names: c.4012_4013del, p.Ala1338fs (NM_001256182.2, NM_001256183.2); short protein forms A1338fs.
Identifiers: ClinVar variation 4531625 (VCV004531625.1).
Genomic context (GRCh38, chr16:89,282,528, plus strand): 5'-CTTGGATGAAGATGAGGAGTGTCTGTGCCTCTCCTTCTCTTTCAGCTTCTCAGGGAGGCA[GGC>G]GCTCTCCCTCGGCTTGTCGTCTCCAGGTGGCTCCGTGAAAGAGACCTCCAGGAAGGCAGT-3'

ClinVar aggregate classification (germline): Pathogenic (1 of 4 stars; one submission).

Conditions:
KBG syndrome (KBGS). Also called: ANKRD11-Related KBG Syndrome. Identifiers: Orphanet 2332, MedGen C0220687, MONDO:0007846, OMIM 148050.

Submission:

Victorian Clinical Genetics Services, Murdoch Childrens Research Institute
Classification: Pathogenic for KBG syndrome. Last evaluated: 2024-10-28. Review status: criteria provided, single submitter. Criteria: ACMG Guidelines, 2015. Collection method: clinical testing. Allele origin: germline. Affected: yes.
Comment: This variant is classified as Pathogenic. Evidence in support of pathogenic classification: Variant is predicted to cause nonsense-mediated decay (NMD) and loss of protein (premature termination codon is located at least 54 nucleotides upstream of the final exon-exon junction); Variant is absent from gnomAD (v2, v3 and v4); Other NMD-predicted variant(s) comparable to the one identified in this case have very strong previous evidence for pathogenicity (DECIPHER); Additional information: This variant is heterozygous; This gene is associated with autosomal dominant disease; This variant has no previous evidence of pathogenicity; No published segregation evidence has been identified for this variant; No published functional evidence has been identified for this variant; Loss of function is a known mechanism of disease in this gene and is associated with KBG syndrome (MIM#148050).